The following is an entry in ClinVar:

NM_001267550.2(TTN):c.68225-9T>A

Genes: TTN (titin; minus strand), TTN-AS1 (TTN antisense RNA 1; plus strand), LOC126806423 (CDK7 strongly-dependent group 2 enhancer GRCh37_chr2:179443309-179444508; plus strand). Cytogenetic location: 2q31.2.
Variant type: single nucleotide variant.
Coding change: c.68225-9T>A on transcript NM_001267550.2 (MANE Select); 9 bases into the intron before coding-DNA position 68225, T replaced by A.
Molecular consequence: intron variant.
Genome position (GRCh38, 1-based): chr2:178,578,724, A>T on the plus strand (T>A on the coding strand, the complement: TTN is on the minus strand). VCF-style: chr2-178578724-A-T. GRCh37 (hg19) VCF-style: chr2-179443451-A-T.
Other names: c.41030-9T>A (NM_003319.4); c.41606-9T>A (NM_133437.4); c.41405-9T>A (NM_133432.3); c.60521-9T>A (NM_133378.4); c.63302-9T>A (NM_001256850.1).
Identifiers: ClinVar variation 1135631 (VCV001135631.10), dbSNP rs780964424, ClinGen allele CA1991158.

ClinVar aggregate classification (germline): Likely benign. Review status: criteria provided, multiple submitters, no conflicts (2 of 4 stars). 2 submissions from 2 submitters: Likely benign (2). Last evaluated 2025-11-06.

Conditions:
TTN-related disorder. Also called: TTN-related condition; TTN-related disease; TTN-related disorders.
Autosomal recessive limb-girdle muscular dystrophy type 2J (LGMDR10). Also called: Limb-girdle muscular dystrophy, type 2J; MUSCULAR DYSTROPHY, LIMB-GIRDLE, AUTOSOMAL RECESSIVE 10. Identifiers: Orphanet 140922, MedGen C1837342, MONDO:0012127, OMIM 608807.
Dilated cardiomyopathy 1G (CMD1G). Identifiers: Orphanet 154, MedGen C1858763, MONDO:0011400, OMIM 604145.

Allele frequency attached by ClinVar (database versions not stated): gnomAD 0.00001; gnomAD exomes 0.00001 and 0.00002; ExAC 0.00003; TOPMed 0.00003.
gnomAD v4.1: 16 of 1,607,252 alleles (0.001%); highest among the groups gnomAD compares: Non-Finnish European, 0.0014%; no homozygotes.

Submissions (2):

Labcorp Genetics (formerly Invitae), Labcorp
Classification: Likely benign for Dilated cardiomyopathy 1G; Autosomal recessive limb-girdle muscular dystrophy type 2J. Last evaluated: 2025-11-06. Review status: criteria provided, single submitter. Criteria: Invitae Variant Classification Sherloc (09022015). Collection method: clinical testing. Allele origin: germline.

PreventionGenetics, part of Exact Sciences
Classification: Likely benign for TTN-related condition. Last evaluated: 2025-09-05. Review status: criteria provided, single submitter. Criteria: ACMG Guidelines, 2015. Collection method: clinical testing. Allele origin: germline.
Comment: This variant is classified as likely benign based on ACMG/AMP sequence variant interpretation guidelines (Richards et al. 2015 PMID: 25741868, with internal and published modifications).